The following is an entry in ClinVar:

NM_000216.4(ANOS1):c.911A>G (p.Asn304Ser)

Gene: ANOS1 (anosmin 1; minus strand). Cytogenetic location: Xp22.31.
Variant type: single nucleotide variant.
Coding change: c.911A>G on transcript NM_000216.4 (MANE Select); coding-DNA position 911, A replaced by G.
Protein change: p.Asn304Ser; replaces asparagine 304 with serine.
Molecular consequence: missense variant.
Genome position (GRCh38, 1-based): chrX:8,570,650, T>C on the plus strand (A>G on the coding strand, the complement: ANOS1 is on the minus strand). VCF-style: chrX-8570650-T-C. GRCh37 (hg19) VCF-style: chrX-8538691-T-C.
Other names: c.911A>G (NM_000216.3); short protein forms N304S.
Identifiers: ClinVar variation 704319 (VCV000704319.8), dbSNP rs140812865, ClinGen allele CA10343721.

ClinVar aggregate classification (germline): Benign. Review status: criteria provided, single submitter (1 of 4 stars). 2 submissions from 2 submitters: Benign (1). 1 of the submissions does not count toward it. Last evaluated 2025-06-12.

Conditions:
ANOS1-related disorder. Also called: ANOS1-related condition.
Hypogonadotropic hypogonadism 1 with or without anosmia (HH1). Also called: HYPOGONADOTROPIC HYPOGONADISM AND ANOSMIA; HYPOGONADOTROPIC HYPOGONADISM 1 WITH ANOSMIA; KAL1-Related GnRH Deficiency (Kallmann Syndrome 1; Kallmann Syndrome, X-Linked); Hypogonadotropic hypogonadism 1 with or without anosmia (Kallmann syndrome 1); Kallmann syndrome, type 1, X-linked; DYSPLASIA OLFACTOGENITALIS OF DE MORSIER. Identifiers: Orphanet 478, MedGen C1563719, MONDO:0010635, OMIM 308700. Disease mechanism: loss of function.

Allele frequency attached by ClinVar (database versions not stated): gnomAD exomes 0.00019; ESP Exome Variant Server 0.00057; gnomAD 0.00061 and 0.00056; TOPMed 0.00060; ExAC 0.00020.
gnomAD v4.1: 122 of 1,210,052 alleles (0.01%); highest among the groups gnomAD compares: African/African-American, 0.19%; 1 homozygote.

Submissions (2):

Labcorp Genetics (formerly Invitae), Labcorp
Classification: Benign for Hypogonadotropic hypogonadism 1 with or without anosmia. Last evaluated: 2025-06-12. Review status: criteria provided, single submitter. Criteria: Invitae Variant Classification Sherloc (09022015). Collection method: clinical testing. Allele origin: germline.

PreventionGenetics, part of Exact Sciences
Classification: Likely benign for ANOS1-related condition. Last evaluated: 2023-05-09. Review status: no assertion criteria provided. Collection method: clinical testing. Allele origin: germline. Not counted in ClinVar's aggregate classification.
Comment: This variant is classified as likely benign based on ACMG/AMP sequence variant interpretation guidelines (Richards et al. 2015 PMID: 25741868, with internal and published modifications).